The following is an entry in ClinVar:

ClinVar aggregate classification (germline): Uncertain significance (1 of 4 stars; one submission).

Conditions:
Multiple acyl-CoA dehydrogenase deficiency (MADD). Also called: Glutaric acidemia type II; GA 2; Glutaric aciduria, type 2; ETHYLMALONIC-ADIPICACIDURIA; GA II; Glutaric Acidemia type 2. Identifiers: Orphanet 26791, MedGen C0268596, MONDO:0009282, OMIM 231680.

Submission:

Labcorp Genetics (formerly Invitae), Labcorp
Classification: Uncertain significance for Multiple acyl-CoA dehydrogenase deficiency. Last evaluated: 2022-03-19. Review status: criteria provided, single submitter. Criteria: Invitae Variant Classification Sherloc (09022015). Collection method: clinical testing. Allele origin: germline.
Comment: This sequence change replaces isoleucine, which is neutral and non-polar, with methionine, which is neutral and non-polar, at codon 62 of the ETFB protein (p.Ile62Met). This variant is not present in population databases (gnomAD no frequency). This variant has not been reported in the literature in individuals affected with ETFB-related conditions. Algorithms developed to predict the effect of missense changes on protein structure and function are either unavailable or do not agree on the potential impact of this missense change (SIFT: "Tolerated"; PolyPhen-2: "Possibly Damaging"; Align-GVGD: "Class C0"). In summary, the available evidence is currently insufficient to determine the role of this variant in disease. Therefore, it has been classified as a Variant of Uncertain Significance.

NM_001985.3(ETFB):c.186C>G (p.Ile62Met)

Gene: ETFB (electron transfer flavoprotein subunit beta; minus strand). Cytogenetic location: 19q13.41.
Variant type: single nucleotide variant.
Coding change: c.186C>G on transcript NM_001985.3 (MANE Select); coding-DNA position 186, C replaced by G.
Protein change: p.Ile62Met; replaces isoleucine 62 with methionine.
Molecular consequence: missense variant.
Genome position (GRCh38, 1-based): chr19:51,354,180, G>C on the plus strand (C>G on the coding strand, the complement: ETFB is on the minus strand). VCF-style: chr19-51354180-G-C. GRCh37 (hg19) VCF-style: chr19-51857434-G-C.
Other names: c.459C>G, p.Ile153Met (NM_001014763.1); short protein forms I153M, I62M.
Identifiers: ClinVar variation 2083174 (VCV002083174.1), dbSNP rs374583902, ClinGen allele CA407083069.
Genomic context (GRCh38, chr19:51,354,180, plus strand): 5'-GTCCAGCCCCCTCCCCAAGACCTTCATCACCTGGCACTGTGCAGGCCCACAGCTGACGGC[G>C]ATGACCTCCTTCACCAGCTTCTTCTCCTTGAGCCGCACAGCCTCCTCCACCGCGATCTCA-3'
Protein context (NP_001976.1, residues 52-72): LKEKKLVKEV[Ile62Met]AVSCGPAQCQ